The following is an entry in ClinVar:

NM_005188.4(CBL):c.2318G>A (p.Gly773Glu)

Gene: CBL (Cbl proto-oncogene; plus strand). Cytogenetic location: 11q23.3.
Variant type: single nucleotide variant.
Coding change: c.2318G>A on transcript NM_005188.4 (MANE Select); coding-DNA position 2318, G replaced by A.
Protein change: p.Gly773Glu; replaces glycine 773 with glutamic acid.
Molecular consequence: missense variant.
Genome position (GRCh38, 1-based): chr11:119,298,424, G>A. VCF-style: chr11-119298424-G-A. GRCh37 (hg19) VCF-style: chr11-119169134-G-A.
Other names: c.2318G>A (NM_005188.2); short protein forms G773E.
Identifiers: ClinVar variation 1489552 (VCV001489552.9), dbSNP rs1241925405, ClinGen allele CA382929387.

ClinVar aggregate classification (germline): Uncertain significance. Review status: criteria provided, multiple submitters, no conflicts (2 of 4 stars). 2 submissions from 2 submitters: Uncertain significance (2). Last evaluated 2026-01-16.

Conditions:
Cardiovascular phenotype. Identifiers: MedGen CN230736.
RASopathy. Also called: rasopathies; Noonan spectrum disorder. Identifiers: Orphanet 536391, MedGen C5555857, MONDO:0021060.

Allele frequency attached by ClinVar (database versions not stated): gnomAD 0.00001; TOPMed 0.00001.
gnomAD v4.1: 2 of 1,614,010 alleles (0.00012%); highest among the groups gnomAD compares: African/African-American, 0.0027%; no homozygotes.

Submissions (2):

Labcorp Genetics (formerly Invitae), Labcorp
Classification: Uncertain significance for RASopathy. Last evaluated: 2026-01-16. Review status: criteria provided, single submitter. Criteria: Invitae Variant Classification Sherloc (09022015). Collection method: clinical testing. Allele origin: germline.
Comment: This sequence change replaces glycine, which is neutral and non-polar, with glutamic acid, which is acidic and polar, at codon 773 of the CBL protein (p.Gly773Glu). This variant is not present in population databases (gnomAD no frequency). This variant has not been reported in the literature in individuals affected with CBL-related conditions. ClinVar contains an entry for this variant (Variation ID: 1489552). Invitae Evidence Modeling of protein sequence and biophysical properties (such as structural, functional, and spatial information, amino acid conservation, physicochemical variation, residue mobility, and thermodynamic stability) indicates that this missense variant is not expected to disrupt CBL protein function with a negative predictive value of 95%. In summary, the available evidence is currently insufficient to determine the role of this variant in disease. Therefore, it has been classified as a Variant of Uncertain Significance.

Ambry Genetics
Classification: Uncertain significance for Cardiovascular phenotype. Last evaluated: 2025-02-16. Review status: criteria provided, single submitter. Criteria: Ambry Variant Classification Scheme 2023. Collection method: clinical testing. Allele origin: germline.
Comment: The p.G773E variant (also known as c.2318G>A), located in coding exon 15 of the CBL gene, results from a G to A substitution at nucleotide position 2318. The glycine at codon 773 is replaced by glutamic acid, an amino acid with similar properties. This amino acid position is conserved. In addition, the in silico prediction for this alteration is inconclusive. Based on the available evidence, the clinical significance of this variant remains unclear.